The following is an entry in ClinVar:

ClinVar aggregate classification (germline): Uncertain significance. Review status: criteria provided, multiple submitters, no conflicts (2 of 4 stars). 2 submissions from 2 submitters: Uncertain significance (2). Last evaluated 2023-11-04.

Conditions:
Cardiovascular phenotype. Identifiers: MedGen CN230736.
Hereditary cancer-predisposing syndrome. Also called: Hereditary neoplastic syndrome; Neoplastic Syndromes, Hereditary; Tumor predisposition; Hereditary Cancer Syndrome. Identifiers: Orphanet 140162, MedGen C0027672, MeSH D009386, MONDO:0015356.
Neurofibromatosis, type 1 (NF1). Also called: Peripheral type neurofibromatosis; Neurofibromatosis, type I; VON RECKLINGHAUSEN DISEASE; NEUROFIBROMATOSIS, TYPE I, SOMATIC. Identifiers: Orphanet 636, MedGen C0027831, MONDO:0018975, OMIM 162200. Disease mechanism: loss of function.

Submissions (2):

Ambry Genetics
Classification: Uncertain significance for Cardiovascular phenotype; Hereditary cancer-predisposing syndrome. Last evaluated: 2023-11-04. Review status: criteria provided, single submitter. Criteria: Ambry Variant Classification Scheme 2023. Collection method: clinical testing. Allele origin: germline.
Comment: The p.L2440H variant (also known as c.7319T>A), located in coding exon 49 of the NF1 gene, results from a T to A substitution at nucleotide position 7319. The leucine at codon 2440 is replaced by histidine, an amino acid with similar properties. This amino acid position is conserved. In addition, the in silico prediction for this alteration is inconclusive. Since supporting evidence is limited at this time, the clinical significance of this alteration remains unclear.

Labcorp Genetics (formerly Invitae), Labcorp
Classification: Uncertain significance for Neurofibromatosis, type 1. Last evaluated: 2020-08-02. Review status: criteria provided, single submitter. Criteria: Invitae Variant Classification Sherloc (09022015). Collection method: clinical testing. Allele origin: germline.
Comment: Advanced modeling of protein sequence and biophysical properties (such as structural, functional, and spatial information, amino acid conservation, physicochemical variation, residue mobility, and thermodynamic stability) performed at Invitae indicates that this missense variant is expected to disrupt NF1 protein function. In summary, the available evidence is currently insufficient to determine the role of this variant in disease. Therefore, it has been classified as a Variant of Uncertain Significance. This sequence change replaces leucine with histidine at codon 2440 of the NF1 protein (p.Leu2440His). The leucine residue is moderately conserved and there is a moderate physicochemical difference between leucine and histidine. This variant is not present in population databases (ExAC no frequency). This variant has not been reported in the literature in individuals with NF1-related conditions.

NM_001042492.3(NF1):c.7382T>A (p.Leu2461His)

Gene: NF1 (neurofibromin 1; plus strand). Cytogenetic location: 17q11.2.
Variant type: single nucleotide variant.
Coding change: c.7382T>A on transcript NM_001042492.3 (MANE Select); coding-DNA position 7382, T replaced by A.
Protein change: p.Leu2461His; replaces leucine 2461 with histidine.
Molecular consequence: missense variant.
Genome position (GRCh38, 1-based): chr17:31,350,243, T>A. VCF-style: chr17-31350243-T-A. GRCh37 (hg19) VCF-style: chr17-29677261-T-A.
Other names: c.7319T>A, p.Leu2440His (NM_000267.4); short protein forms L2440H, L2461H.
Identifiers: ClinVar variation 1021194 (VCV001021194.6), dbSNP rs2070105653, ClinGen allele CA399017071.
Genomic context (GRCh38, chr17:31,350,243, plus strand): 5'-CTTTACTTACAGTGTCTGAAGAAGTTCGAAGTCGCTGCAGCCTAAAACATAGAAAGTCAC[T>A]TCTTCTTACTGATATTTCAATGGAAAATGTTCCTATGGATACATATCCCATTCATCATGG-3'
Protein context (NP_001035957.1, residues 2451-2471): SRCSLKHRKS[Leu2461His]LLTDISMENV